The following is an entry in ClinVar:

ClinVar aggregate classification (germline): Uncertain significance. Review status: criteria provided, multiple submitters, no conflicts (2 of 4 stars). 2 submissions from 2 submitters: Uncertain significance (2). Last evaluated 2023-05-19.

Conditions:
Familial hemophagocytic lymphohistiocytosis 2 (FHL2). Also called: PRF1-Related Familial Hemophagocytic Lymphohistiocytosis (PRF1-fHLH). Identifiers: Orphanet 540, MedGen C1863727, MONDO:0011337, OMIM 603553.

Allele frequency attached by ClinVar (database versions not stated): ExAC 0.00001; gnomAD exomes 0.00001; TOPMed 0.00002; gnomAD 0.00003 and 0.00004.
gnomAD v4.1: 22 of 1,614,048 alleles (0.0014%); highest among the groups gnomAD compares: African/African-American, 0.0027%; no homozygotes.

Submissions (2):

Women's Health and Genetics/Laboratory Corporation of America, LabCorp
Classification: Uncertain significance. Last evaluated: 2023-05-19. Review status: criteria provided, single submitter. Criteria: LabCorp Variant Classification Summary - May 2015. Collection method: clinical testing. Allele origin: germline.
Comment: Variant summary: PRF1 c.719G>A (p.Arg240His) results in a non-conservative amino acid change located in the Membrane attack complex component/perforin (MACPF) domain (IPR020864) of the encoded protein sequence. Five of five in-silico tools predict a damaging effect of the variant on protein function. The variant allele was found at a frequency of 1.2e-05 in 251170 control chromosomes (gnomAD). The available data on variant occurrences in the general population are insufficient to allow any conclusion about variant significance. c.719G>A has been reported in the literature in individuals affected with Multiple Sclerosis (Cappellano_2008). This report does not provide unequivocal conclusions about association of the variant with Familial Hemophagocytic Lymphohistiocytosis. Natural killer cells that were heterozygous for the variant were found to have reduced activity (Cappellano_2008), which does not allow convincing conclusions about the variant effect. The following publication has been ascertained in the context of this evaluation (PMID: 18496551). One ClinVar submitter has assessed the variant since 2014: the variant was classified as uncertain significance. Based on the evidence outlined above, the variant was classified as uncertain significance.

Labcorp Genetics (formerly Invitae), Labcorp
Classification: Uncertain significance for Familial hemophagocytic lymphohistiocytosis 2. Last evaluated: 2021-08-26. Review status: criteria provided, single submitter. Criteria: Invitae Variant Classification Sherloc (09022015). Collection method: clinical testing. Allele origin: germline.
Comment: This sequence change replaces arginine with histidine at codon 240 of the PRF1 protein (p.Arg240His). The arginine residue is highly conserved and there is a small physicochemical difference between arginine and histidine. This variant is present in population databases (rs751390468, ExAC 0.002%). This missense change has been observed in individual(s) with multiple sclerosis (PMID: 18496551). Algorithms developed to predict the effect of missense changes on protein structure and function are either unavailable or do not agree on the potential impact of this missense change (SIFT: "Deleterious"; PolyPhen-2: "Possibly Damaging"; Align-GVGD: "Class C0"). In summary, the available evidence is currently insufficient to determine the role of this variant in disease. Therefore, it has been classified as a Variant of Uncertain Significance.

Literature cited by the submitters: PubMed 18496551 (cited by Women's Health and Genetics/Laboratory Corporation of America, LabCorp and Labcorp Genetics (formerly Invitae), Labcorp).

NM_001083116.3(PRF1):c.719G>A (p.Arg240His)

Gene: PRF1 (perforin 1; minus strand). Cytogenetic location: 10q22.1.
Variant type: single nucleotide variant.
Coding change: c.719G>A on transcript NM_001083116.3 (MANE Select); coding-DNA position 719, G replaced by A.
Protein change: p.Arg240His; replaces arginine 240 with histidine.
Molecular consequence: missense variant.
Genome position (GRCh38, 1-based): chr10:70,599,002, C>T on the plus strand (G>A on the coding strand, the complement: PRF1 is on the minus strand). VCF-style: chr10-70599002-C-T. GRCh37 (hg19) VCF-style: chr10-72358758-C-T.
Other names: c.719G>A, p.Arg240His (NM_005041.6); c.719G>A (NM_001083116.1); short protein forms R240H.
Identifiers: ClinVar variation 1418800 (VCV001418800.5), dbSNP rs751390468, ClinGen allele CA5538934.